The following is an entry in ClinVar:

NM_001136157.2(OTUD5):c.627C>G (p.Asp209Glu)

Gene: OTUD5 (OTU deubiquitinase 5; minus strand). Cytogenetic location: Xp11.23.
Variant type: single nucleotide variant.
Coding change: c.627C>G on transcript NM_001136157.2 (MANE Select); coding-DNA position 627, C replaced by G.
Protein change: p.Asp209Glu; replaces aspartic acid 209 with glutamic acid.
Molecular consequence: missense variant. On other transcripts: 5 prime UTR variant (1).
Genome position (GRCh38, 1-based): chrX:48,944,251, G>C on the plus strand (C>G on the coding strand, the complement: OTUD5 is on the minus strand). VCF-style: chrX-48944251-G-C. GRCh37 (hg19) VCF-style: chrX-48801512-G-C.
Other names: c.627C>G, p.Asp209Glu (NM_001136158.2, NM_017602.4); c.-25C>G (NM_001136159.2); short protein forms D209E.
Identifiers: ClinVar variation 5008636 (VCV005008636.1).

ClinVar aggregate classification (germline): Uncertain significance (1 of 4 stars; one submission).

Submission:

GeneDx
Classification: Uncertain significance. Last evaluated: 2026-03-10. Review status: criteria provided, single submitter. Criteria: GeneDx Variant Classification Process June 2021. Collection method: clinical testing. Allele origin: germline.
Comment: Not observed at significant frequency in large population cohorts (gnomAD); In silico analysis suggests that this missense variant does not alter protein structure/function; Has not been previously published as pathogenic or benign to our knowledge